The following is an entry in ClinVar:

NM_001145809.2(MYH14):c.5606G>T (p.Arg1869Leu)

Gene: MYH14 (myosin heavy chain 14; plus strand). Cytogenetic location: 19q13.33.
Variant type: single nucleotide variant.
Coding change: c.5606G>T on transcript NM_001145809.2 (MANE Select); coding-DNA position 5606, G replaced by T.
Protein change: p.Arg1869Leu; replaces arginine 1869 with leucine.
Molecular consequence: missense variant.
Genome position (GRCh38, 1-based): chr19:50,301,797, G>T. VCF-style: chr19-50301797-G-T. GRCh37 (hg19) VCF-style: chr19-50805054-G-T.
Other names: c.5507G>T, p.Arg1836Leu (NM_001077186.2); c.5483G>T, p.Arg1828Leu (NM_024729.4); short protein forms R1828L, R1836L, R1869L.
Identifiers: ClinVar variation 4852129 (VCV004852129.2).

ClinVar aggregate classification (germline): Uncertain significance (1 of 4 stars; one submission).

Conditions:
Autosomal dominant nonsyndromic hearing loss 4A. Also called: Deafness, autosomal dominant 4A. Identifiers: Orphanet 90635, MedGen C1833503, MONDO:0010915, OMIM 600652.

gnomAD v4.1: 1 of 1,613,776 alleles (0.000062%); no homozygotes.

Submission:

Laboratory of Molecular, Cellular and Translation Genetics in Otolaryngology/ Lim32-hcfmusp, University of Sao Paulo School of Medicine Clinics Hospital
Classification: Uncertain significance for Autosomal dominant nonsyndromic hearing loss 4A. Last evaluated: 2026-04-30. Review status: criteria provided, single submitter. Criteria: ACMG Guidelines, 2015. Collection method: research. Allele origin: germline. Affected: yes.
Comment: NM_001145809.1:c.5606G>T:p.(Arg1869Leu). This variant has been classified as a variant of uncertain significance (VUS). It is absent from population databases (PM2). In silico prediction tools are inconclusive regarding its impact on protein function. Although the heterozygous state and phenotype may suggest a potential association with hearing loss, the available evidence is currently insufficient to establish a definitive causal role for this variant in the proband as described in PMID: 42233699.

Literature cited by the submitters: PubMed 42233699.